The following is an entry in ClinVar:

ClinVar aggregate classification (germline): Likely benign (0 of 4 stars; one submission).

Conditions:
FOXD3-related disorder. Also called: FOXD3-related condition.

Submission:

PreventionGenetics, part of Exact Sciences
Classification: Likely benign for FOXD3-related condition. Last evaluated: 2020-05-20. Review status: no assertion criteria provided. Collection method: clinical testing. Allele origin: germline.
Comment: This variant is classified as likely benign based on ACMG/AMP sequence variant interpretation guidelines (Richards et al. 2015 PMID: 25741868, with internal and published modifications).

NM_012183.3(FOXD3):c.1074G>T (p.Ala358=)

Genes: FOXD3 (forkhead box D3; plus strand), FOXD3-AS1 (FOXD3 antisense RNA 1; minus strand). Cytogenetic location: 1p31.3.
Variant type: single nucleotide variant.
Coding change: c.1074G>T on transcript NM_012183.3 (MANE Select); coding-DNA position 1074, G replaced by T.
Protein change: p.Ala358=; no amino-acid change (alanine 358 retained).
Molecular consequence: synonymous variant.
Genome position (GRCh38, 1-based): chr1:63,324,132, G>T. VCF-style: chr1-63324132-G-T. GRCh37 (hg19) VCF-style: chr1-63789803-G-T.
Identifiers: ClinVar variation 3051610 (VCV003051610.2), dbSNP rs968053644, ClinGen allele CA23761145.